The following is an entry in ClinVar:

ClinVar aggregate classification (germline): Uncertain significance (1 of 4 stars; one submission).

Conditions:
Neuropathy, hereditary sensory and autonomic, type 2A (HSAN2A). Also called: HSAN IIA; WNK1-Related HSAN2 (HSAN2A); ACROOSTEOLYSIS, GIACCAI TYPE; ACROOSTEOLYSIS, NEUROGENIC; MORVAN DISEASE; NEUROPATHY, CONGENITAL SENSORY. Identifiers: Orphanet 970, MedGen C2752089, MONDO:0024309, OMIM 201300.
Pseudohypoaldosteronism type 2C (PHA2C). Also called: Pseudohypoaldosteronism Type IIC. Identifiers: Orphanet 757, Orphanet 88940, MedGen C1840391, MONDO:0013778, OMIM 614492.

Submission:

Labcorp Genetics (formerly Invitae), Labcorp
Classification: Uncertain significance for Neuropathy, hereditary sensory and autonomic, type 2A; Pseudohypoaldosteronism type 2C. Last evaluated: 2023-10-06. Review status: criteria provided, single submitter. Criteria: Invitae Variant Classification Sherloc (09022015). Collection method: clinical testing. Allele origin: germline.
Comment: This variant, c.3262_3264dup, results in the insertion of 1 amino acid(s) of the WNK1 protein (p.Glu1088dup), but otherwise preserves the integrity of the reading frame. This variant is not present in population databases (gnomAD no frequency). This variant has not been reported in the literature in individuals affected with WNK1-related conditions. Experimental studies and prediction algorithms are not available or were not evaluated, and the functional significance of this variant is currently unknown. In summary, the available evidence is currently insufficient to determine the role of this variant in disease. Therefore, it has been classified as a Variant of Uncertain Significance.

NM_213655.5(WNK1):c.3259GAA[3] (p.Glu1088_Leu1089insGlu)

Gene: WNK1 (WNK lysine deficient protein kinase 1; plus strand). Cytogenetic location: 12p13.33.
Variant type: Microsatellite.
Coding change: c.3259GAA[3] on transcript NM_213655.5 (MANE Plus Clinical); three copies in a row of the 3-base unit GAA starting at c.3259; the reference has two copies in a row; one copy, 3 bases duplicated.
Protein change: p.Glu1088_Leu1089insGlu.
Molecular consequence: inframe insertion. On other transcripts: intron variant (2).
Genome position (GRCh38, 1-based): chr12:868,733-868,735, GAA duplicated; duplicating any 3 consecutive bases within chr12:868,728-868,735 gives the same sequence; the position shown is the placement nearest the transcript's 3' end. VCF-style (leftmost placement, unchanged base first): chr12-868727-C-CAAG. GRCh37 (hg19) VCF-style: chr12-977893-C-CAAG.
Other names: c.3004GAA[3], p.Glu1003_Leu1004insGlu (NM_001184985.2); c.2140-2537AAG[3] (NM_018979.4, NM_014823.3).
Identifiers: ClinVar variation 2952620 (VCV002952620.3), dbSNP rs780566005, ClinGen allele CA2740092298.